The following is an entry in ClinVar:

NM_007294.4(BRCA1):c.5210G>C (p.Arg1737Thr)

Gene: BRCA1 (BRCA1 DNA repair associated; minus strand). Cytogenetic location: 17q21.31.
Variant type: single nucleotide variant.
Coding change: c.5210G>C on transcript NM_007294.4 (MANE Select); coding-DNA position 5210, G replaced by C.
Protein change: p.Arg1737Thr; replaces arginine 1737 with threonine.
Molecular consequence: missense variant. On other transcripts: non-coding transcript variant (1).
Genome position (GRCh38, 1-based): chr17:43,057,119, C>G on the plus strand (G>C on the coding strand, the complement: BRCA1 is on the minus strand). VCF-style: chr17-43057119-C-G. GRCh37 (hg19) VCF-style: chr17-41209136-C-G.
Other names: c.4997G>C, p.Arg1666Thr (NM_001407571.1, NM_001407900.1, NM_001407902.1 and 12 more transcripts); c.5276G>C, p.Arg1759Thr (NM_001407581.1, NM_001407582.1); c.5273G>C, p.Arg1758Thr (NM_001407583.1, NM_001407585.1, NM_001407587.1 and 1 more transcripts); c.5207G>C, p.Arg1736Thr (NM_001407610.1, NM_001407611.1, NM_001407612.1 and 17 more transcripts); c.5204G>C, p.Arg1735Thr (NM_001407629.1, NM_001407630.1, NM_001407631.1 and 14 more transcripts); c.5150G>C, p.Arg1717Thr (NM_001407649.1); c.5132G>C, p.Arg1711Thr (NM_001407652.1, NM_001407653.1, NM_001407654.1 and 1 more transcripts); c.5129G>C, p.Arg1710Thr (NM_001407656.1, NM_001407657.1, NM_001407658.1); and 72 more; short protein forms R1758T, R633T, R1737T, R1690T, R1441T, R1610T, R1626T, R1668T.
Identifiers: ClinVar variation 868186 (VCV000868186.3), dbSNP rs2051524645, ClinGen allele CA10591118.
Genomic context (GRCh38, chr17:43,057,119, plus strand): 5'-TCCTGGGATTCTCTTGCTCGCTTTGGACCTTGGTGGTTTCTTCCATTGACCACATCTCCT[C>G]TGACTTCAAAATCATGCTGAAAGAAACCAAACACAACCCATCAGGATAAGAGAAAGAGAA-3'
Protein context (NP_009225.1, residues 1727-1747): KMLNEHDFEV[Arg1737Thr]GDVVNGRNHQ

Conditions:
Breast-ovarian cancer, familial, susceptibility to, 1 (BROVCA1). Also called: BRCA1 Hereditary Breast and Ovarian Cancer; OVARIAN CANCER, SUSCEPTIBILITY TO. Identifiers: Orphanet 145, MedGen C2676676, MONDO:0011450, OMIM 604370. Disease mechanism: loss of function.

Submission:

Brotman Baty Institute, University of Washington
No classification provided (evidence only). Condition: Breast-ovarian cancer, familial 1. Review status: no classification provided. Collection method: in vitro. Allele origin: not applicable. Functional consequence: functionally_normal.
ClinVar note: "not provided" was previously submitted as the classification for the variant. However, the classification appeared to be based only on an observation of functional data so it was converted to no classification on 2025-07-30.